The following is an entry in ClinVar:

ClinVar aggregate classification (germline): Conflicting classifications of pathogenicity. Review status: criteria provided, conflicting classifications (1 of 4 stars). 2 submissions from 2 submitters: Pathogenic (1); Uncertain significance (1). Last evaluated 2025-04-10.

Conditions:
Charcot-Marie-Tooth disease type 2. Also called: Charcot-Marie-Tooth type 2. Identifiers: Orphanet 64746, MedGen C0270914, MONDO:0018993.

Submissions (2):

Labcorp Genetics (formerly Invitae), Labcorp
Classification: Pathogenic for Charcot-Marie-Tooth disease type 2. Last evaluated: 2025-04-10. Review status: criteria provided, single submitter. Criteria: Invitae Variant Classification Sherloc (09022015). Collection method: clinical testing. Allele origin: germline.
Comment: This sequence change replaces arginine, which is basic and polar, with proline, which is neutral and non-polar, at codon 298 of the LMNA protein (p.Arg298Pro). This variant is not present in population databases (gnomAD no frequency). This missense change has been observed in individuals with clinical features of autosomal dominant LMNA-related conditions (internal data). It has also been observed to segregate with disease in related individuals. ClinVar contains an entry for this variant (Variation ID: 502071). Invitae Evidence Modeling of protein sequence and biophysical properties (such as structural, functional, and spatial information, amino acid conservation, physicochemical variation, residue mobility, and thermodynamic stability) indicates that this missense variant is expected to disrupt LMNA protein function with a positive predictive value of 95%. For these reasons, this variant has been classified as Pathogenic.

Eurofins Ntd Llc (ga)
Classification: Uncertain significance. Last evaluated: 2017-05-23. Review status: criteria provided, single submitter. Criteria: EGL Classification Definitions 2015. Collection method: clinical testing. Allele origin: germline. Observed: 1 variant allele, 1 heterozygote.

NM_170707.4(LMNA):c.893G>C (p.Arg298Pro)

Gene: LMNA (lamin A/C; plus strand). Cytogenetic location: 1q22.
Variant type: single nucleotide variant.
Coding change: c.893G>C on transcript NM_170707.4 (MANE Select); coding-DNA position 893, G replaced by C.
Protein change: p.Arg298Pro; replaces arginine 298 with proline.
Molecular consequence: missense variant.
Genome position (GRCh38, 1-based): chr1:156,135,269, G>C. VCF-style: chr1-156135269-G-C. GRCh37 (hg19) VCF-style: chr1-156105060-G-C.
Other names: c.557G>C, p.Arg186Pro (NM_001257374.3); c.650G>C, p.Arg217Pro (NM_001282624.2); c.893G>C, p.Arg298Pro (NM_001282625.2, NM_001282626.2, NM_005572.4 and 1 more transcripts); short protein forms R298P, R186P, R217P.
Identifiers: ClinVar variation 502071 (VCV000502071.11), dbSNP rs762653476, ClinGen allele CA342817795.